The following is an entry in ClinVar:

NM_000018.4(ACADVL):c.1496G>C (p.Gly499Ala)

Gene: ACADVL (acyl-CoA dehydrogenase very long chain; plus strand). Cytogenetic location: 17p13.1.
Variant type: single nucleotide variant.
Coding change: c.1496G>C on transcript NM_000018.4 (MANE Select); coding-DNA position 1496, G replaced by C.
Protein change: p.Gly499Ala; replaces glycine 499 with alanine.
Molecular consequence: missense variant.
Genome position (GRCh38, 1-based): chr17:7,224,207, G>C. VCF-style: chr17-7224207-G-C. GRCh37 (hg19) VCF-style: chr17-7127526-G-C.
Other names: c.1430G>C, p.Gly477Ala (NM_001033859.3); c.1565G>C, p.Gly522Ala (NM_001270447.2); c.1268G>C, p.Gly423Ala (NM_001270448.2); short protein forms G499A, G522A, G423A, G477A.
Identifiers: ClinVar variation 572299 (VCV000572299.9), dbSNP rs764943140, ClinGen allele CA287439965.

ClinVar aggregate classification (germline): Uncertain significance. Review status: criteria provided, multiple submitters, no conflicts (2 of 4 stars). 3 submissions from 3 submitters: Uncertain significance (2). 1 of the submissions does not count toward it. Last evaluated 2022-08-15.

Conditions:
Very long chain acyl-CoA dehydrogenase deficiency (ACADVLD). Also called: Very Long-Chain Acyl-Coenzyme A Dehydrogenase Deficiency; VLCAD Deficiency. Identifiers: Orphanet 26793, MedGen C3887523, MONDO:0008723, OMIM 201475.

Allele frequency attached by ClinVar (database versions not stated): TOPMed 0.00002; 1000 Genomes Project 30x 0.00031.
gnomAD v4.1: 5 of 1,614,028 alleles (0.00031%); highest among the groups gnomAD compares: African/African-American, 0.0067%; no homozygotes.

Submissions (3):

Labcorp Genetics (formerly Invitae), Labcorp
Classification: Uncertain significance for Very long chain acyl-CoA dehydrogenase deficiency. Last evaluated: 2022-08-15. Review status: criteria provided, single submitter. Criteria: Invitae Variant Classification Sherloc (09022015). Collection method: clinical testing. Allele origin: germline.
Comment: This sequence change replaces glycine, which is neutral and non-polar, with alanine, which is neutral and non-polar, at codon 499 of the ACADVL protein (p.Gly499Ala). This variant is present in population databases (no rsID available, gnomAD 0.007%). This variant has not been reported in the literature in individuals affected with ACADVL-related conditions. ClinVar contains an entry for this variant (Variation ID: 572299). Algorithms developed to predict the effect of missense changes on protein structure and function are either unavailable or do not agree on the potential impact of this missense change (SIFT: "Deleterious"; PolyPhen-2: "Benign"; Align-GVGD: "Class C55"). In summary, the available evidence is currently insufficient to determine the role of this variant in disease. Therefore, it has been classified as a Variant of Uncertain Significance.

Wong Mito Lab, Molecular and Human Genetics, Baylor College of Medicine
Classification: Uncertain significance for Very long chain acyl-CoA dehydrogenase deficiency. Last evaluated: 2019-11-01. Review status: criteria provided, single submitter. Criteria: ACMG Guidelines, 2015. Collection method: clinical testing. Allele origin: germline.
Comment: The NM_000018.3:c.1496G>C (NP_000009.1:p.Gly499Ala) [GRCH38: NC_000017.11:g.7224207G>C] variant in ACADVL gene is interpretated to be Uncertain Significance based on ACMG guidelines (PMID: 25741868). This variant has been reported. This variant meets the following evidence codes reported in the ACMG guidelines: PP3

Natera, Inc.
Classification: Uncertain significance for Very long chain acyl-CoA dehydrogenase deficiency. Last evaluated: 2021-01-15. Review status: no assertion criteria provided. Collection method: clinical testing. Allele origin: germline. Not counted in ClinVar's aggregate classification.